The following is an entry in ClinVar:

ClinVar aggregate classification (germline): Uncertain significance (1 of 4 stars; one submission).

Conditions:
Wiskott-Aldrich syndrome (WAS). Also called: ALDRICH SYNDROME; IMMUNODEFICIENCY 2; Wiskott-aldrich syndrome, somatic; WISKOTT-ALDRICH SYNDROME 1. Identifiers: Orphanet 906, MedGen C0043194, MONDO:0010518, OMIM 301000.
X-linked severe congenital neutropenia (SCNX). Identifiers: Orphanet 86788, MedGen C1845987, MONDO:0010294, OMIM 300299.
Thrombocytopenia 1. Also called: THROMBOCYTOPENIA, X-LINKED, 1; X-linked thrombocytopenia with normal platelets; X-Linked Thrombocytopenia (XLT). Identifiers: Orphanet 268322, Orphanet 852, MedGen C1839163, MONDO:0010743, OMIM 313900.

Allele frequency attached by ClinVar (database versions not stated): gnomAD exomes 0.00001.
gnomAD v4.1: 4 of 1,211,406 alleles (0.00033%); highest among the groups gnomAD compares: Non-Finnish European, 0.00045%; no homozygotes.

Submission:

Labcorp Genetics (formerly Invitae), Labcorp
Classification: Uncertain significance for Wiskott-Aldrich syndrome; X-linked severe congenital neutropenia; Thrombocytopenia 1. Last evaluated: 2023-09-22. Review status: criteria provided, single submitter. Criteria: Invitae Variant Classification Sherloc (09022015). Collection method: clinical testing. Allele origin: germline.
Comment: This sequence change replaces glutamine, which is neutral and polar, with glutamic acid, which is acidic and polar, at codon 33 of the WAS protein (p.Gln33Glu). This variant is not present in population databases (gnomAD no frequency). This variant has not been reported in the literature in individuals affected with WAS-related conditions. ClinVar contains an entry for this variant (Variation ID: 566906). Advanced modeling of protein sequence and biophysical properties (such as structural, functional, and spatial information, amino acid conservation, physicochemical variation, residue mobility, and thermodynamic stability) performed at Invitae indicates that this missense variant is not expected to disrupt WAS protein function. In summary, the available evidence is currently insufficient to determine the role of this variant in disease. Therefore, it has been classified as a Variant of Uncertain Significance.

NM_000377.3(WAS):c.97C>G (p.Gln33Glu)

Gene: WAS (WASP actin nucleation promoting factor; plus strand). Cytogenetic location: Xp11.23.
Variant type: single nucleotide variant.
Coding change: c.97C>G on transcript NM_000377.3 (MANE Select); coding-DNA position 97, C replaced by G.
Protein change: p.Gln33Glu; replaces glutamine 33 with glutamic acid.
Molecular consequence: missense variant.
Genome position (GRCh38, 1-based): chrX:48,683,950, C>G. VCF-style: chrX-48683950-C-G. GRCh37 (hg19) VCF-style: chrX-48542339-C-G.
Other names: short protein forms Q33E.
Identifiers: ClinVar variation 566906 (VCV000566906.7), dbSNP rs1569493682, ClinGen allele CA412865716.